The following is an entry in ClinVar:

ClinVar aggregate classification (germline): Likely benign (1 of 4 stars; one submission).

Allele frequency attached by ClinVar (database versions not stated): gnomAD 0.01425 and 0.02201; TOPMed 0.01927; 1000 Genomes Project 30x 0.08901; 1000 Genomes Project 0.09764.
gnomAD v4.1: 3,408 of 152,336 alleles (2.2%); highest among the groups gnomAD compares: East Asian, 31%; 347 homozygotes.

Submission:

GeneDx
Classification: Likely benign. Last evaluated: 2018-06-19. Review status: criteria provided, single submitter. Criteria: GeneDx Variant Classification (06012015). Collection method: clinical testing. Allele origin: germline. Affected: yes.
Comment: This variant is considered likely benign or benign based on one or more of the following criteria: it is a conservative change, it occurs at a poorly conserved position in the protein, it is predicted to be benign by multiple in silico algorithms, and/or has population frequency not consistent with disease.

NM_024312.5(GNPTAB):c.324-202T>C

Gene: GNPTAB (N-acetylglucosamine-1-phosphate transferase subunits alpha and beta; minus strand). Cytogenetic location: 12q23.2.
Variant type: single nucleotide variant.
Coding change: c.324-202T>C on transcript NM_024312.5 (MANE Select); 202 bases into the intron before coding-DNA position 324, T replaced by C.
Molecular consequence: intron variant.
Genome position (GRCh38, 1-based): chr12:101,788,791, A>G on the plus strand (T>C on the coding strand, the complement: GNPTAB is on the minus strand). VCF-style: chr12-101788791-A-G. GRCh37 (hg19) VCF-style: chr12-102182569-A-G.
Identifiers: ClinVar variation 674249 (VCV000674249.1), dbSNP rs17032008, ClinGen allele CA242475483.
Genomic context (GRCh38, chr12:101,788,791, plus strand): 5'-TGGGAAAGTCATATAACCTCTAACAAAGAGAAAATGAATTTGCTCCAATATAAGGTGGCC[A>G]AAGACCTGCACTGGGGTGCACTCTTGACATTCACAAAGAAGTCAACAAGTAGGTACTAAG-3'